The following is an entry in ClinVar:

NM_001375524.1(TRRAP):c.7114C>T (p.Arg2372Trp)

Gene: TRRAP (transformation/transcription domain associated protein; plus strand). Cytogenetic location: 7q22.1.
Variant type: single nucleotide variant.
Coding change: c.7114C>T on transcript NM_001375524.1 (MANE Select); coding-DNA position 7114, C replaced by T.
Protein change: p.Arg2372Trp; replaces arginine 2372 with tryptophan.
Molecular consequence: missense variant.
Genome position (GRCh38, 1-based): chr7:98,965,833, C>T. VCF-style: chr7-98965833-C-T. GRCh37 (hg19) VCF-style: chr7-98563456-C-T.
Other names: c.7093C>T, p.Arg2365Trp (NM_001244580.2); c.7039C>T, p.Arg2347Trp (NM_003496.4); short protein forms R2347W, R2365W, R2372W.
Identifiers: ClinVar variation 2780122 (VCV002780122.3), dbSNP rs775214250, ClinGen allele CA4361056.
Genomic context (GRCh38, chr7:98,965,833, plus strand): 5'-AACTTCATCCAGGCCATCCTGACATCCCTCATCGAAAAATCACCAGATGCCAAAATCCTC[C>T]GGGCTGTGGTCAAAATCGTGGAAGAATGGGTCAAGAATAACTCCCCAATGGCAGCCAATC-3'
Protein context (NP_001362453.1, residues 2362-2382): IEKSPDAKIL[Arg2372Trp]AVVKIVEEWV

ClinVar aggregate classification (germline): Uncertain significance (1 of 4 stars; one submission).

Allele frequency attached by ClinVar (database versions not stated): gnomAD exomes 0.00001; gnomAD 0.00002; TOPMed 0.00002; ExAC 0.00001.
gnomAD v4.1: 17 of 1,613,948 alleles (0.0011%); highest among the groups gnomAD compares: East Asian, 0.0022%; no homozygotes.

Submission:

Labcorp Genetics (formerly Invitae), Labcorp
Classification: Uncertain significance. Last evaluated: 2025-05-05. Review status: criteria provided, single submitter. Criteria: Invitae Variant Classification Sherloc (09022015). Collection method: clinical testing. Allele origin: germline.
Comment: This sequence change replaces arginine, which is basic and polar, with tryptophan, which is neutral and slightly polar, at codon 2347 of the TRRAP protein (p.Arg2347Trp). This variant is present in population databases (rs775214250, gnomAD 0.005%). This missense change has been observed in individual(s) with autism spectrum disorder (PMID: 28191889). ClinVar contains an entry for this variant (Variation ID: 2780122). Invitae Evidence Modeling of protein sequence and biophysical properties (such as structural, functional, and spatial information, amino acid conservation, physicochemical variation, residue mobility, and thermodynamic stability) indicates that this missense variant is expected to disrupt TRRAP protein function with a positive predictive value of 80%. In summary, the available evidence is currently insufficient to determine the role of this variant in disease. Therefore, it has been classified as a Variant of Uncertain Significance.

Literature cited by the submitters: PubMed 28191889.